The following is an entry in ClinVar:

ClinVar aggregate classification (germline): Pathogenic (1 of 4 stars; one submission).

Conditions:
Thrombocytopenia 1. Also called: THROMBOCYTOPENIA, X-LINKED, 1; X-linked thrombocytopenia with normal platelets; X-Linked Thrombocytopenia (XLT). Identifiers: Orphanet 268322, Orphanet 852, MedGen C1839163, MONDO:0010743, OMIM 313900.
X-linked severe congenital neutropenia (SCNX). Identifiers: Orphanet 86788, MedGen C1845987, MONDO:0010294, OMIM 300299.
Wiskott-Aldrich syndrome (WAS). Also called: Wiskott-aldrich syndrome, somatic; ALDRICH SYNDROME; IMMUNODEFICIENCY 2; WISKOTT-ALDRICH SYNDROME 1. Identifiers: Orphanet 906, MedGen C0043194, MONDO:0010518, OMIM 301000.

Submission:

Labcorp Genetics (formerly Invitae), Labcorp
Classification: Pathogenic for Wiskott-Aldrich syndrome; X-linked severe congenital neutropenia; Thrombocytopenia 1. Last evaluated: 2024-03-01. Review status: criteria provided, single submitter. Criteria: Invitae Variant Classification Sherloc (09022015). Collection method: clinical testing. Allele origin: germline.
Comment: This sequence change creates a premature translational stop signal (p.His180Glnfs*27) in the WAS gene. It is expected to result in an absent or disrupted protein product. Loss-of-function variants in WAS are known to be pathogenic (PMID: 15284122). This variant is not present in population databases (gnomAD no frequency). This variant has not been reported in the literature in individuals affected with WAS-related conditions. ClinVar contains an entry for this variant (Variation ID: 1074623). For these reasons, this variant has been classified as Pathogenic.

Literature cited by the submitters: PubMed 15284122.

NM_000377.3(WAS):c.539dup (p.His180fs)

Gene: WAS (WASP actin nucleation promoting factor; plus strand). Cytogenetic location: Xp11.23.
Variant type: Duplication.
Coding change: c.539dup on transcript NM_000377.3 (MANE Select); coding-DNA position 539, one base duplicated (A; older notation c.539dupA).
Protein change: p.His180fs; shifts the reading frame from histidine 180.
Molecular consequence: frameshift variant.
Genome position (GRCh38, 1-based): chrX:48,686,114, A duplicated. VCF-style (leftmost placement, unchanged base first): chrX-48686113-C-CA. GRCh37 (hg19) VCF-style: chrX-48544502-C-CA.
Other names: short protein forms H180fs.
Identifiers: ClinVar variation 1074623 (VCV001074623.7), dbSNP rs2147264299, ClinGen allele CA1139770404.